The following is an entry in ClinVar:

ClinVar aggregate classification (germline): Uncertain significance. Review status: criteria provided, multiple submitters, no conflicts (2 of 4 stars). 2 submissions from 2 submitters: Uncertain significance (2). Last evaluated 2025-04-08.

Allele frequency attached by ClinVar (database versions not stated): gnomAD exomes below 0.00001.
gnomAD v4.1: 3 of 1,614,224 alleles (0.00019%); no homozygotes.

Submissions (2):

Ambry Genetics
Classification: Uncertain significance. Last evaluated: 2025-04-08. Review status: criteria provided, single submitter. Criteria: Ambry Variant Classification Scheme 2023. Collection method: clinical testing. Allele origin: germline.

Labcorp Genetics (formerly Invitae), Labcorp
Classification: Uncertain significance. Last evaluated: 2024-07-19. Review status: criteria provided, single submitter. Criteria: Invitae Variant Classification Sherloc (09022015). Collection method: clinical testing. Allele origin: germline.
Comment: This sequence change replaces isoleucine, which is neutral and non-polar, with asparagine, which is neutral and polar, at codon 48 of the RNF43 protein (p.Ile48Asn). This variant is not present in population databases (gnomAD no frequency). This variant has not been reported in the literature in individuals affected with RNF43-related conditions. An algorithm developed to predict the effect of missense changes on protein structure and function (PolyPhen-2) suggests that this variant is likely to be disruptive. In summary, the available evidence is currently insufficient to determine the role of this variant in disease. Therefore, it has been classified as a Variant of Uncertain Significance.

NM_017763.6(RNF43):c.143T>A (p.Ile48Asn)

Gene: RNF43 (ring finger protein 43; minus strand). Cytogenetic location: 17q22.
Variant type: single nucleotide variant.
Coding change: c.143T>A on transcript NM_017763.6 (MANE Select); coding-DNA position 143, T replaced by A.
Protein change: p.Ile48Asn; replaces isoleucine 48 with asparagine.
Molecular consequence: missense variant.
Genome position (GRCh38, 1-based): chr17:58,415,435, A>T on the plus strand (T>A on the coding strand, the complement: RNF43 is on the minus strand). VCF-style: chr17-58415435-A-T. GRCh37 (hg19) VCF-style: chr17-56492796-A-T.
Other names: c.143T>A, p.Ile48Asn (NM_001305544.3); short protein forms I48N.
Identifiers: ClinVar variation 2898699 (VCV002898699.5), dbSNP rs972986418, ClinGen allele CA292037942.
Genomic context (GRCh38, chr17:58,415,435, plus strand): 5'-ACACCTTCCAAAGTGAGATTCAGTTTTCCTGTGGGGTCCATTTTCAAGGGGATCACTCTG[A>T]TAATAGCTTTCTGTTCTGCTGATCTTTCAGACTCCACCGCTGCTGCCAGTACCAGTCCTG-3'
Protein context (NP_060233.3, residues 38-58): SERSAEQKAI[Ile48Asn]RVIPLKMDPT